The following is an entry in ClinVar:

ClinVar aggregate classification (germline): Conflicting classifications of pathogenicity. Review status: criteria provided, conflicting classifications (1 of 4 stars). 2 submissions from 2 submitters: Uncertain significance (1); Likely benign (1). Last evaluated 2025-07-11.

Conditions:
POLD1-related polyposis and colorectal cancer syndrome (CRCS10). Also called: Colorectal cancer 10; COLORECTAL CANCER, SUSCEPTIBILITY TO, ON CHROMOSOME 19q; Colorectal cancer, susceptibility to, 10. Identifiers: Orphanet 220460, MedGen C2675481, MONDO:0012953, OMIM 612591.
Hereditary cancer-predisposing syndrome. Also called: Tumor predisposition; Hereditary Cancer Syndrome; Hereditary neoplastic syndrome; Neoplastic Syndromes, Hereditary. Identifiers: Orphanet 140162, MedGen C0027672, MeSH D009386, MONDO:0015356.

gnomAD v4.1: 1 of 1,592,776 alleles (0.000063%); no homozygotes.

Submissions (2):

Ambry Genetics
Classification: Likely benign for Hereditary cancer-predisposing syndrome. Last evaluated: 2025-07-11. Review status: criteria provided, single submitter. Criteria: Ambry Variant Classification Scheme 2023. Collection method: clinical testing. Allele origin: germline.

Labcorp Genetics (formerly Invitae), Labcorp
Classification: Uncertain significance for POLD1-related polyposis and colorectal cancer syndrome. Last evaluated: 2024-11-12. Review status: criteria provided, single submitter. Criteria: Invitae Variant Classification Sherloc (09022015). Collection method: clinical testing. Allele origin: germline.
Comment: This sequence change replaces proline, which is neutral and non-polar, with serine, which is neutral and polar, at codon 208 of the POLD1 protein (p.Pro208Ser). This variant is not present in population databases (gnomAD no frequency). This variant has not been reported in the literature in individuals affected with POLD1-related conditions. ClinVar contains an entry for this variant (Variation ID: 1940238). Invitae Evidence Modeling of protein sequence and biophysical properties (such as structural, functional, and spatial information, amino acid conservation, physicochemical variation, residue mobility, and thermodynamic stability) indicates that this missense variant is not expected to disrupt POLD1 protein function with a negative predictive value of 80%. In summary, the available evidence is currently insufficient to determine the role of this variant in disease. Therefore, it has been classified as a Variant of Uncertain Significance.

NM_002691.4(POLD1):c.622C>T (p.Pro208Ser)

Gene: POLD1 (DNA polymerase delta 1, catalytic subunit; plus strand). Cytogenetic location: 19q13.33.
Variant type: single nucleotide variant.
Coding change: c.622C>T on transcript NM_002691.4 (MANE Select); coding-DNA position 622, C replaced by T.
Protein change: p.Pro208Ser; replaces proline 208 with serine.
Molecular consequence: missense variant. On other transcripts: non-coding transcript variant (1).
Genome position (GRCh38, 1-based): chr19:50,402,237, C>T. VCF-style: chr19-50402237-C-T. GRCh37 (hg19) VCF-style: chr19-50905494-C-T.
Other names: c.622C>T (NM_002691.2); c.622C>T, p.Pro208Ser (NM_001256849.1, NM_001308632.1); short protein forms P208S.
Identifiers: ClinVar variation 1940238 (VCV001940238.5), dbSNP rs2038674221, ClinGen allele CA406973940.
Genomic context (GRCh38, chr19:50,402,237, plus strand): 5'-GGCTGGTCCCAGCTTCTTCCATCCACAGGCATGTTTGGGTACCACGGGCACGGCCCCTCC[C>T]CGTTCCTGCGCATCACCGTGGCGCTGCCGCGCCTCGTGGCCCCGGCCCGCCGTCTCCTGG-3'
Protein context (NP_002682.2, residues 198-218): MFGYHGHGPS[Pro208Ser]FLRITVALPR